The following is an entry in ClinVar:

ClinVar aggregate classification (germline): Pathogenic. Review status: no assertion criteria provided (0 of 4 stars). 2 submissions from 2 submitters: Pathogenic (2). Last evaluated 2018-08-10.

Conditions:
Familial hyperaldosteronism type II. Also called: FH II. Identifiers: Orphanet 404, MedGen C1854107, MONDO:0011576, OMIM 605635.

Submissions (2):

OMIM
Classification: Pathogenic for HYPERALDOSTERONISM, FAMILIAL, TYPE II. Last evaluated: 2018-08-10. Review status: no assertion criteria provided. Collection method: literature only. Allele origin: germline.

Ute Scholl Laboratory, Heinrich Heine University Duesseldorf
Classification: Pathogenic for Familial hyperaldosteronism type II. Last evaluated: 2017-09-25. Review status: no assertion criteria provided. Collection method: research, in vitro. Allele origin: germline. Inheritance: Autosomal unknown. Affected: yes. Observed: 1 variant allele, 1 heterozygote. Functional consequence: protein gain of function.
Comment: Four independent occurrences of CLCN2 p.Arg172Gln, significant burden of rare variants in CLCN2 in early-onset primary aldosteronism (two de novo), localization of CLCN2 in adrenal zona glomerulosa, electrophysiologic impact of mutant channels and effect on aldosterone synthase expression

Literature cited by the submitters: PubMed 29403011 (cited by OMIM).

NM_004366.6(CLCN2):c.2593A>C (p.Ser865Arg)

Gene: CLCN2 (chloride voltage-gated channel 2; minus strand). Cytogenetic location: 3q27.1.
Variant type: single nucleotide variant.
Coding change: c.2593A>C on transcript NM_004366.6 (MANE Select); coding-DNA position 2593, A replaced by C.
Protein change: p.Ser865Arg; replaces serine 865 with arginine.
Molecular consequence: missense variant.
Genome position (GRCh38, 1-based): chr3:184,346,710, T>G on the plus strand (A>C on the coding strand, the complement: CLCN2 is on the minus strand). VCF-style: chr3-184346710-T-G. GRCh37 (hg19) VCF-style: chr3-184064498-T-G.
Other names: c.2542A>C, p.Ser848Arg (NM_001171087.3); c.2461A>C, p.Ser821Arg (NM_001171088.3); c.2506A>C, p.Ser836Arg (NM_001171089.3); short protein forms S865R, S821R, S836R, S848R.
Identifiers: ClinVar variation 441168 (VCV000441168.4), dbSNP rs1553853557, ClinGen allele CA355444204.
Genomic context (GRCh38, chr3:184,346,710, plus strand): 5'-GGAGGCCATGACGGGAGTGGGGCCCCCAGAGTGCATGCACCTCAGTGGTCTCCGTGTCAC[T>G]GCTGCTGGTGGCACTGTCTCGGAAGCTGGCGAGGGGCGGCCGGACTTTCACACCCTGTGC-3'
Protein context (NP_004357.3, residues 855-875): ASFRDSATSS[Ser865Arg]DTETTEVHAL